The following is an entry in ClinVar:

NM_002693.3(POLG):c.3344C>T (p.Ala1115Val)

Gene: POLG (DNA polymerase gamma, catalytic subunit; minus strand). Cytogenetic location: 15q26.1.
Variant type: single nucleotide variant.
Coding change: c.3344C>T on transcript NM_002693.3 (MANE Select); coding-DNA position 3344, C replaced by T.
Protein change: p.Ala1115Val; replaces alanine 1115 with valine.
Molecular consequence: missense variant.
Genome position (GRCh38, 1-based): chr15:89,318,679, G>A on the plus strand (C>T on the coding strand, the complement: POLG is on the minus strand). VCF-style: chr15-89318679-G-A. GRCh37 (hg19) VCF-style: chr15-89861910-G-A.
Other names: c.3344C>T, p.Ala1115Val (NM_001126131.2); short protein forms A1115V.
Identifiers: ClinVar variation 3677135 (VCV003677135.2).

ClinVar aggregate classification (germline): Uncertain significance (1 of 4 stars; one submission).

Conditions:
Progressive sclerosing poliodystrophy (MTDPS4A). Also called: ALPERS PROGRESSIVE INFANTILE POLIODYSTROPHY; NEURONAL DEGENERATION OF CHILDHOOD WITH LIVER DISEASE, PROGRESSIVE; Alpers Syndrome; ALPERS DIFFUSE DEGENERATION OF CEREBRAL GRAY MATTER WITH HEPATIC CIRRHOSIS; Alpers-Huttenlocher Syndrome; Mitochondrial DNA depletion syndrome 4A (Alpers type). Identifiers: Orphanet 726, MedGen C0205710, MONDO:0008758, OMIM 203700.

gnomAD v4.1: 10 of 1,614,006 alleles (0.00062%); highest among the groups gnomAD compares: Non-Finnish European, 0.00059%; no homozygotes.

Submission:

Labcorp Genetics (formerly Invitae), Labcorp
Classification: Uncertain significance for Progressive sclerosing poliodystrophy. Last evaluated: 2024-06-04. Review status: criteria provided, single submitter. Criteria: Invitae Variant Classification Sherloc (09022015). Collection method: clinical testing. Allele origin: germline.
Comment: This sequence change replaces alanine, which is neutral and non-polar, with valine, which is neutral and non-polar, at codon 1115 of the POLG protein (p.Ala1115Val). This variant is present in population databases (rs761584617, gnomAD 0.009%). This variant has not been reported in the literature in individuals affected with POLG-related conditions. Advanced modeling of protein sequence and biophysical properties (such as structural, functional, and spatial information, amino acid conservation, physicochemical variation, residue mobility, and thermodynamic stability) has been performed at Invitae for this missense variant, however the output from this modeling did not meet the statistical confidence thresholds required to predict the impact of this variant on POLG protein function. In summary, the available evidence is currently insufficient to determine the role of this variant in disease. Therefore, it has been classified as a Variant of Uncertain Significance.